The following is an entry in ClinVar:

NM_003073.5(SMARCB1):c.233-5T>G

Gene: SMARCB1 (SWI/SNF related BAF chromatin remodeling complex subunit B1; plus strand). Cytogenetic location: 22q11.23.
Variant type: single nucleotide variant.
Coding change: c.233-5T>G on transcript NM_003073.5 (MANE Select); 5 bases into the intron before coding-DNA position 233, T replaced by G.
Molecular consequence: intron variant.
Genome position (GRCh38, 1-based): chr22:23,793,554, T>G. VCF-style: chr22-23793554-T-G. GRCh37 (hg19) VCF-style: chr22-24135741-T-G.
Other names: c.233-5T>G (NM_001362877.2); c.206-5T>G (NM_001317946.2, NM_001007468.3).
Identifiers: ClinVar variation 4999778 (VCV004999778.1).
Genomic context (GRCh38, chr22:23,793,554, plus strand): 5'-ACTTGGCTGGCTGCTGTGTGCCACCGCCACCAGCAGAGTGACCCAGTGATGTTTGTCTGT[T>G]ACAGATCACGGATACACGACTCTAGCCACCAGTGTGACCCTGTTAAAAGCCTCGGAAGTG-3'

ClinVar aggregate classification (germline): Likely benign (1 of 4 stars; one submission).

Conditions:
SMARCB1-related disorder. Also called: SMARCB1-related condition; SMARCB1-related disorders.

Submission:

PreventionGenetics, part of Exact Sciences
Classification: Likely benign for SMARCB1-related condition. Last evaluated: 2025-03-11. Review status: criteria provided, single submitter. Criteria: ACMG Guidelines, 2015. Collection method: clinical testing. Allele origin: germline.
Comment: This variant is classified as likely benign based on ACMG/AMP sequence variant interpretation guidelines (Richards et al. 2015 PMID: 25741868, with internal and published modifications).